The following is an entry in ClinVar:

NM_002936.6(RNASEH1):c.341A>G (p.Tyr114Cys)

Gene: RNASEH1 (ribonuclease H1; minus strand). Cytogenetic location: 2p25.3.
Variant type: single nucleotide variant.
Coding change: c.341A>G on transcript NM_002936.6 (MANE Select); coding-DNA position 341, A replaced by G.
Protein change: p.Tyr114Cys; replaces tyrosine 114 with cysteine.
Molecular consequence: missense variant. On other transcripts: 5 prime UTR variant (1), non-coding transcript variant (7).
Genome position (GRCh38, 1-based): chr2:3,552,212, T>C on the plus strand (A>G on the coding strand, the complement: RNASEH1 is on the minus strand). VCF-style: chr2-3552212-T-C. GRCh37 (hg19) VCF-style: chr2-3599802-T-C.
Other names: c.263A>G, p.Tyr88Cys (NM_001286834.3); c.-11A>G (NM_001286837.3); c.341A>G, p.Tyr114Cys (NM_001378271.1, NM_001378272.1, NM_001378273.1); short protein forms Y114C, Y88C.
Identifiers: ClinVar variation 3252399 (VCV003252399.1), dbSNP rs781386982.
Genomic context (GRCh38, chr2:3,552,212, plus strand): 5'-GAAAACGTGTCTCTGCTAACTGGAGGCGCCGGCTCCACGCTCGGCTTCATGTGCTTTGCA[T>C]ACGGCTCTGCGCTTTCATGTCCATCTCCATCCAGTGGCTCACGGAGTCGCTTGCTGGCTT-3'
Protein context (NP_002927.2, residues 104-124): DGDGHESAEP[Tyr114Cys]AKHMKPSVEP

ClinVar aggregate classification (germline): Uncertain significance (1 of 4 stars; one submission).

Allele frequency attached by ClinVar (database versions not stated): gnomAD exomes below 0.00001; ExAC 0.00001.
gnomAD v4.1: 4 of 1,613,450 alleles (0.00025%); highest among the groups gnomAD compares: Admixed American, 0.005%; no homozygotes.

Submission:

GeneDx
Classification: Uncertain significance. Last evaluated: 2024-05-01. Review status: criteria provided, single submitter. Criteria: GeneDx Variant Classification Process June 2021. Collection method: clinical testing. Allele origin: germline. Affected: yes.
Comment: Not observed at significant frequency in large population cohorts (gnomAD); In silico analysis indicates that this missense variant does not alter protein structure/function; Has not been previously published as pathogenic or benign to our knowledge